The following is an entry in ClinVar:

ClinVar aggregate classification (germline): Uncertain significance (1 of 4 stars; one submission).

Conditions:
Hereditary cancer-predisposing syndrome. Also called: Tumor predisposition; Hereditary neoplastic syndrome; Hereditary Cancer Syndrome; Neoplastic Syndromes, Hereditary. Identifiers: Orphanet 140162, MedGen C0027672, MeSH D009386, MONDO:0015356.

Allele frequency attached by ClinVar (database versions not stated): gnomAD exomes below 0.00001.
gnomAD v4.1: 1 of 1,613,572 alleles (0.000062%); highest among the groups gnomAD compares: East Asian, 0.0022%; no homozygotes.

Submission:

Ambry Genetics
Classification: Uncertain significance for Hereditary cancer-predisposing syndrome. Last evaluated: 2023-10-28. Review status: criteria provided, single submitter. Criteria: Ambry Variant Classification Scheme 2023. Collection method: clinical testing. Allele origin: germline.
Comment: The p.L821F variant (also known as c.2463G>T), located in coding exon 18 of the MSH3 gene, results from a G to T substitution at nucleotide position 2463. The leucine at codon 821 is replaced by phenylalanine, an amino acid with highly similar properties. This amino acid position is conserved. In addition, the in silico prediction for this alteration is inconclusive. Since supporting evidence is limited at this time, the clinical significance of this alteration remains unclear.

NM_002439.5(MSH3):c.2463G>T (p.Leu821Phe)

Gene: MSH3 (mutS homolog 3; plus strand). Cytogenetic location: 5q14.1.
Variant type: single nucleotide variant.
Coding change: c.2463G>T on transcript NM_002439.5 (MANE Select); coding-DNA position 2463, G replaced by T.
Protein change: p.Leu821Phe; replaces leucine 821 with phenylalanine.
Molecular consequence: missense variant.
Genome position (GRCh38, 1-based): chr5:80,787,592, G>T. VCF-style: chr5-80787592-G-T. GRCh37 (hg19) VCF-style: chr5-80083411-G-T.
Other names: short protein forms L821F.
Identifiers: ClinVar variation 3222268 (VCV003222268.1), dbSNP rs2112020218, ClinGen allele CA360283074.